The following is an entry in ClinVar:

ClinVar aggregate classification (germline): Uncertain significance (1 of 4 stars; one submission).

Conditions:
PCNT-related disorder. Also called: PCNT-related condition.

Submission:

PreventionGenetics, part of Exact Sciences
Classification: Uncertain significance for PCNT-related condition. Last evaluated: 2025-04-02. Review status: criteria provided, single submitter. Criteria: ACMG Guidelines, 2015. Collection method: clinical testing. Allele origin: germline.
Comment: The PCNT c.6594_6596delTGG variant is predicted to result in an in-frame deletion (p.Gly2199del). To our knowledge, this variant has not been reported in the literature. This variant is reported in 0.00088% of alleles in individuals of European (Non-Finnish) descent in gnomAD. At this time, the clinical significance of this variant is uncertain due to the absence of conclusive functional and genetic evidence.

NM_006031.6(PCNT):c.6591TGG[1] (p.Gly2199del)

Gene: PCNT (pericentrin; plus strand). Cytogenetic location: 21q22.3.
Variant type: Microsatellite.
Coding change: c.6591TGG[1] on transcript NM_006031.6 (MANE Select); one copy of the 3-base unit TGG starting at c.6591; the reference has two copies in a row; one copy, 3 bases deleted.
Protein change: p.Gly2199del; deletes glycine 2199.
Molecular consequence: inframe deletion.
Genome position (GRCh38, 1-based): chr21:46,416,512-46,416,514, TGG deleted; deleting any 3 consecutive bases within chr21:46,416,509-46,416,514 gives the same sequence; the position shown is the placement nearest the transcript's 3' end. VCF-style (leftmost placement, unchanged base first): chr21-46416508-TTGG-T. GRCh37 (hg19) VCF-style: chr21-47836422-TTGG-T.
Other names: c.6237TGG[1], p.Gly2081del (NM_001315529.2); short protein forms G2199del, G2081del.
Identifiers: ClinVar variation 4977861 (VCV004977861.1).